The following is an entry in ClinVar:

NM_080732.4(EGLN2):c.616G>A (p.Val206Met)

Genes: EGLN2 (egl-9 family hypoxia inducible factor 2; plus strand), RAB4B-EGLN2 (RAB4B-EGLN2 readthrough (NMD candidate); plus strand). Cytogenetic location: 19q13.2.
Variant type: single nucleotide variant.
Coding change: c.616G>A on transcript NM_080732.4 (MANE Select); coding-DNA position 616, G replaced by A.
Protein change: p.Val206Met; replaces valine 206 with methionine.
Molecular consequence: missense variant. On other transcripts: non-coding transcript variant (1).
Genome position (GRCh38, 1-based): chr19:40,801,188, G>A. VCF-style: chr19-40801188-G-A. GRCh37 (hg19) VCF-style: chr19-41307093-G-A.
Other names: c.616G>A, p.Val206Met (NM_053046.4); short protein forms V206M.
Identifiers: ClinVar variation 1751996 (VCV001751996.2), dbSNP rs1398127434, ClinGen allele CA405955631.

ClinVar aggregate classification (germline): Uncertain significance (1 of 4 stars; one submission).

Allele frequency attached by ClinVar (database versions not stated): gnomAD exomes 0.00001.

Submission:

Ambry Genetics
Classification: Uncertain significance. Last evaluated: 2024-01-11. Review status: criteria provided, single submitter. Criteria: Ambry Variant Classification Scheme 2023. Collection method: clinical testing. Allele origin: germline.
Comment: The p.V206M variant (also known as c.616G>A), located in coding exon 1 of the EGLN2 gene, results from a G to A substitution at nucleotide position 616. The valine at codon 206 is replaced by methionine, an amino acid with highly similar properties. This amino acid position is conserved. In addition, this alteration is predicted to be tolerated by in silico analysis. Since supporting evidence is limited at this time, the clinical significance of this alteration remains unclear.